The following is an entry in ClinVar:

NM_000173.7(GP1BA):c.104del (p.Lys35fs)

Gene: GP1BA (glycoprotein Ib platelet subunit alpha; plus strand). Cytogenetic location: 17p13.2.
Variant type: Deletion.
Coding change: c.104del on transcript NM_000173.7 (MANE Select); coding-DNA position 104, one base deleted (A; older notation c.104delA).
Protein change: p.Lys35fs; shifts the reading frame from lysine 35.
Molecular consequence: frameshift variant.
Genome position (GRCh38, 1-based): chr17:4,932,708, A deleted; the last of 2 consecutive A bases (chr17:4,932,707-4,932,708); deleting either gives the same sequence. VCF-style (leftmost placement, unchanged base first): chr17-4932706-CA-C. GRCh37 (hg19) VCF-style: chr17-4836001-CA-C.
Other names: NM_000173.7(GP1BA):c.104del; p.Lys35fs; c.104delA (NM_000173.7); short protein forms K35fs.
Identifiers: ClinVar variation 523620 (VCV000523620.12), dbSNP rs1555549041, ClinGen allele CA658798681.

ClinVar aggregate classification (germline): Likely pathogenic. Review status: reviewed by expert panel (3 of 4 stars). 4 submissions from 4 submitters: Likely pathogenic (1). 3 of the submissions do not count toward it. Last evaluated 2025-02-11.

Conditions:
Bernard Soulier syndrome (BSS). Also called: BLEEDING DISORDER, PLATELET-TYPE, 1; Giant platelet syndrome; Hemorrhagiparous thrombocytic dystrophy; Giant platelet disease; VON WILLEBRAND FACTOR RECEPTOR DEFICIENCY; GLYCOPROTEIN Ib, PLATELET, DEFICIENCY OF. Identifiers: Orphanet 274, MedGen C0005129, MeSH D001606, MONDO:0009276, OMIM 231200.

Submissions (4):

ClinGen Platelet Disorders Variant Curation Expert Panel, ClinGen
Classification: Likely pathogenic for Bernard Soulier syndrome. Last evaluated: 2025-02-11. Review status: reviewed by expert panel. Criteria: ClinGen Platelet ACMG Specifications GP1BA V1.0.0. Collection method: curation. Allele origin: germline. Inheritance: Autosomal recessive inheritance.
Comment: The c.104del (p.Lys35ArgfsTer4) variant in GP1BA is a frameshift variant that may cause loss of function of the protein, however it is predicted to escape nonsense mediated decay and remove >10% of the protein (PVS1_Strong). At least one patient (Patient GA in PMID: 8950770) with this variant had aggregation absent for ristocetin and present for all other agonists, which is highly specific for Bernard-Soulier syndrome (PP4). They also had thrombocytopenia, giant platelets, and life-long severe bleeding, including recurrent bruising and prolonged bleeding time. This variant has been detected in at least 2 probands with Bernard-Soulier syndrome (PMID: 8950770 and 36507135). These individuals were both homozygous for the variant (PM3). Surface expression of GP1A measured by flow cytometry in mouse L cells transiently co-transfected with c.104del (p.Lys35ArgfsTer4) variant GP1A and wild type GP1B-GP9 showed undetectable expression at 0% WT levels, indicating that this variant impacts protein function (PMID: 8950770, PS3_supporting). The Grpmax Filtering allele frequency in gnomAD v4.1.0 is 3.000e-7 (based on 2/1179868 alleles) in the European non Finnish population, which is lower than the ClinGen PD VCEP threshold (<0.0001114; PM2_Supporting). In summary, this variant meets the criteria to be classified as Likely Pathogenic for autosomal recessive Bernard-Soulier syndrome based on the ACMG/AMP criteria applied, as specified by the ClinGen PD VCEP: PVS1_Strong, PP4, PM2_Supporting, PM3, and PS3_Supporting.

Center for Genomic Medicine, Rigshospitalet, Copenhagen University Hospital
Classification: Pathogenic. Last evaluated: 2025-03-04. Review status: criteria provided, single submitter. Criteria: ACMG Guidelines, 2015. Collection method: clinical testing. Allele origin: germline. Not counted in ClinVar's aggregate classification.

Labcorp Genetics (formerly Invitae), Labcorp
Classification: Pathogenic. Last evaluated: 2020-10-04. Review status: criteria provided, single submitter. Criteria: Invitae Variant Classification Sherloc (09022015). Collection method: clinical testing. Allele origin: germline. Not counted in ClinVar's aggregate classification.
Comment: For these reasons, this variant has been classified as Pathogenic. This variant disrupts the C-terminus of the GP1BA protein. Other variant(s) that disrupt this region (p.Trp540*) have been determined to be pathogenic (PMID: 9233564, 9639514). This suggests that variants that disrupt this region of the protein are likely to be causative of disease. This sequence change results in a premature translational stop signal in the GP1BA gene (p.Lys35Argfs*4). While this is not anticipated to result in nonsense mediated decay, it is expected to disrupt the last 618 amino acids of the GP1BA protein. This variant is not present in population databases (ExAC no frequency). This variant has been observed in an individual affected with Bernard-Soulier syndrome (PMID: 8950770). This variant is also known as Lys19Argfs in the literature. ClinVar contains an entry for this variant (Variation ID: 523620). This variant has been reported to affect GP1BA protein function (PMID: 8950770).

Center of Genomic medicine, Geneva, University Hospital of Geneva
Classification: Pathogenic for Bernard Soulier syndrome. Last evaluated: 2017-08-14. Review status: criteria provided, single submitter. Criteria: ACMG Guidelines, 2015. Collection method: clinical testing. Allele origin: germline. Affected: yes. Not counted in ClinVar's aggregate classification.

Literature cited by the submitters: PubMed 9233564 (cited by Labcorp Genetics (formerly Invitae), Labcorp); PubMed 9639514 (cited by Labcorp Genetics (formerly Invitae), Labcorp); PubMed 8950770 (cited by Labcorp Genetics (formerly Invitae), Labcorp).